The following is an entry in ClinVar:

NM_000539.3(RHO):c.360C>A (p.Gly120=)

Gene: RHO (rhodopsin; plus strand). Cytogenetic location: 3q22.1.
Variant type: single nucleotide variant.
Coding change: c.360C>A on transcript NM_000539.3 (MANE Select); coding-DNA position 360, C replaced by A.
Protein change: p.Gly120=; no amino-acid change (glycine 120 retained).
Molecular consequence: synonymous variant.
Genome position (GRCh38, 1-based): chr3:129,529,093, C>A. VCF-style: chr3-129529093-C-A. GRCh37 (hg19) VCF-style: chr3-129247936-C-A.
Identifiers: ClinVar variation 1001178 (VCV001001178.9), dbSNP rs79765751, ClinGen allele CA2607118.

ClinVar aggregate classification (germline): Uncertain significance (1 of 4 stars; one submission).

Allele frequency attached by ClinVar (database versions not stated): 1000 Genomes Project 30x 0.00016.
gnomAD v4.1: 18 of 1,611,094 alleles (0.0011%); highest among the groups gnomAD compares: East Asian, 0.0089%; no homozygotes.

Submission:

Labcorp Genetics (formerly Invitae), Labcorp
Classification: Uncertain significance. Last evaluated: 2025-11-15. Review status: criteria provided, single submitter. Criteria: Invitae Variant Classification Sherloc (09022015). Collection method: clinical testing. Allele origin: germline.
Comment: This sequence change affects codon 120 of the RHO mRNA. It is a 'silent' change, meaning that it does not change the encoded amino acid sequence of the RHO protein. It affects a nucleotide within the consensus splice site. This variant is present in population databases (rs79765751, gnomAD 0.006%). This variant has not been reported in the literature in individuals affected with RHO-related conditions. ClinVar contains an entry for this variant (Variation ID: 1001178). Algorithms developed to predict the effect of sequence changes on RNA splicing suggest that this variant is not likely to affect RNA splicing. In summary, the available evidence is currently insufficient to determine the role of this variant in disease. Therefore, it has been classified as a Variant of Uncertain Significance.